The following is an entry in ClinVar:

ClinVar aggregate classification (germline): Uncertain significance (1 of 4 stars; one submission).

Conditions:
Cardiovascular phenotype. Identifiers: MedGen CN230736.

gnomAD v4.1: 3 of 1,613,930 alleles (0.00019%); highest among the groups gnomAD compares: Non-Finnish European, 0.00025%; no homozygotes.

Submission:

Ambry Genetics
Classification: Uncertain significance for Cardiovascular phenotype. Last evaluated: 2025-06-10. Review status: criteria provided, single submitter. Criteria: Ambry Variant Classification Scheme 2023. Collection method: clinical testing. Allele origin: germline.
Comment: The p.L2324F variant (also known as c.6970C>T), located in coding exon 26 of the APOB gene, results from a C to T substitution at nucleotide position 6970. The leucine at codon 2324 is replaced by phenylalanine, an amino acid with highly similar properties. This amino acid position is conserved. In addition, this alteration is predicted to be tolerated by in silico analysis. Based on the available evidence, the clinical significance of this variant remains unclear.

NM_000384.3(APOB):c.6970C>T (p.Leu2324Phe)

Gene: APOB (apolipoprotein B; minus strand). Cytogenetic location: 2p24.1.
Variant type: single nucleotide variant.
Coding change: c.6970C>T on transcript NM_000384.3 (MANE Select); coding-DNA position 6970, C replaced by T.
Protein change: p.Leu2324Phe; replaces leucine 2324 with phenylalanine.
Molecular consequence: missense variant.
Genome position (GRCh38, 1-based): chr2:21,009,898, G>A on the plus strand (C>T on the coding strand, the complement: APOB is on the minus strand). VCF-style: chr2-21009898-G-A. GRCh37 (hg19) VCF-style: chr2-21232770-G-A.
Other names: short protein forms L2324F.
Identifiers: ClinVar variation 3933395 (VCV003933395.1).